The following is an entry in ClinVar:

ClinVar aggregate classification (germline): Uncertain significance. Review status: criteria provided, multiple submitters, no conflicts (2 of 4 stars). 2 submissions from 2 submitters: Uncertain significance (2). Last evaluated 2019-10-15.

Allele frequency attached by ClinVar (database versions not stated): ExAC 0.00001; gnomAD exomes 0.00001 and 0.00002; TOPMed 0.00002.
gnomAD v4.1: 5 of 1,611,064 alleles (0.00031%); highest among the groups gnomAD compares: East Asian, 0.011%; no homozygotes.

Submissions (2):

Labcorp Genetics (formerly Invitae), Labcorp
Classification: Uncertain significance. Last evaluated: 2019-10-15. Review status: criteria provided, single submitter. Criteria: Invitae Variant Classification Sherloc (09022015). Collection method: clinical testing. Allele origin: germline.
Comment: This variant has not been reported in the literature in individuals with TTLL5-related conditions. This sequence change replaces leucine with histidine at codon 153 of the TTLL5 protein (p.Leu153His). The leucine residue is moderately conserved and there is a moderate physicochemical difference between leucine and histidine. This variant is present in population databases (rs762781195, ExAC 0.01%). Algorithms developed to predict the effect of missense changes on protein structure and function (SIFT, PolyPhen-2, Align-GVGD) all suggest that this variant is likely to be disruptive, but these predictions have not been confirmed by published functional studies and their clinical significance is uncertain. In summary, the available evidence is currently insufficient to determine the role of this variant in disease. Therefore, it has been classified as a Variant of Uncertain Significance.

Blueprint Genetics
Classification: Uncertain significance. Last evaluated: 2018-06-12. Review status: criteria provided, single submitter. Criteria: ACMG Guidelines, 2015. Collection method: clinical testing. Allele origin: germline.

NM_015072.5(TTLL5):c.458T>A (p.Leu153His)

Gene: TTLL5 (tubulin tyrosine ligase like 5; plus strand). Cytogenetic location: 14q24.3.
Variant type: single nucleotide variant.
Coding change: c.458T>A on transcript NM_015072.5 (MANE Select); coding-DNA position 458, T replaced by A.
Protein change: p.Leu153His; replaces leucine 153 with histidine.
Molecular consequence: missense variant.
Genome position (GRCh38, 1-based): chr14:75,690,278, T>A. VCF-style: chr14-75690278-T-A. GRCh37 (hg19) VCF-style: chr14-76156621-T-A.
Other names: short protein forms L153H.
Identifiers: ClinVar variation 971804 (VCV000971804.10), dbSNP rs762781195, ClinGen allele CA7278930.
Genomic context (GRCh38, chr14:75,690,278, plus strand): 5'-GACTGTACAAAAACATTATTCGAATGCAGCATACACATGGATTCAAGGCTTTTCACATCC[T>A]CCCCCAGACCTTCCTCCTGCCAGCTGAGTACGCGGAATTTTGTAGTAAGTGCTTGACAGA-3'
Protein context (NP_055887.3, residues 143-163): HTHGFKAFHI[Leu153His]PQTFLLPAEY